The following is an entry in ClinVar:

ClinVar aggregate classification (germline): Uncertain significance (1 of 4 stars; one submission).

Submission:

GeneDx
Classification: Uncertain significance. Last evaluated: 2025-01-22. Review status: criteria provided, single submitter. Criteria: GeneDx Variant Classification Process June 2021. Collection method: clinical testing. Allele origin: germline. Affected: yes.
Comment: Not observed at significant frequency in large population cohorts (gnomAD); Missense variant in a gene in which most reported pathogenic variants are truncating/loss of function; Has not been previously published as pathogenic or benign to our knowledge; This variant is associated with the following publications: (PMID: 23975875)

NM_001267550.2(TTN):c.40216G>T (p.Val13406Phe)

Gene: TTN (titin; minus strand). Cytogenetic location: 2q31.2.
Variant type: single nucleotide variant.
Coding change: c.40216G>T on transcript NM_001267550.2 (MANE Select); coding-DNA position 40216, G replaced by T.
Protein change: p.Val13406Phe; replaces valine 13406 with phenylalanine.
Molecular consequence: missense variant. On other transcripts: intron variant (5).
Genome position (GRCh38, 1-based): chr2:178,647,070, C>A on the plus strand (G>T on the coding strand, the complement: TTN is on the minus strand). VCF-style: chr2-178647070-C-A. GRCh37 (hg19) VCF-style: chr2-179511797-C-A.
Other names: c.13283-4753G>T (NM_003319.4); c.13859-4753G>T (NM_133437.4); c.13658-4753G>T (NM_133432.3); c.32594-1040G>T (NM_133378.4); c.35375-1040G>T (NM_001256850.1); short protein forms V13406F.
Identifiers: ClinVar variation 4071600 (VCV004071600.1).
Genomic context (GRCh38, chr2:178,647,070, plus strand): 5'-TAACAGGAATCTTCAGGAGATTAAAAAAATGTATATATATATATATATATATACCTTCAA[C>A]AGGGGGAGTCTCTTTTCTACCAATGGTTATAGATGCTTTTTCTTCATATATTATTTCCTC-3'
Protein context (NP_001254479.2, residues 13396-13416): ITIGRKETPP[Val13406Phe]EEREIEKYIK